The following is an entry in ClinVar:

NM_000059.4(BRCA2):c.9517T>C (p.Cys3173Arg)

Gene: BRCA2 (BRCA2 DNA repair associated; plus strand). Cytogenetic location: 13q13.1.
Variant type: single nucleotide variant.
Coding change: c.9517T>C on transcript NM_000059.4 (MANE Select); coding-DNA position 9517, T replaced by C.
Protein change: p.Cys3173Arg; replaces cysteine 3173 with arginine.
Molecular consequence: missense variant. On other transcripts: non-coding transcript variant (1).
Genome position (GRCh38, 1-based): chr13:32,396,913, T>C. VCF-style: chr13-32396913-T-C. GRCh37 (hg19) VCF-style: chr13-32971050-T-C.
Other names: c.9421T>C, p.Cys3141Arg (NM_001406719.1); c.9466T>C, p.Cys3156Arg (NM_001406720.1); c.4585T>C, p.Cys1529Arg (NM_001406721.1); c.3100T>C, p.Cys1034Arg (NM_001406722.1); c.9517T>C, p.Cys3173Arg (NM_001432077.1); short protein forms C3141R, C1034R, C3173R, C1529R, C3156R.
Identifiers: ClinVar variation 3482207 (VCV003482207.1).
Genomic context (GRCh38, chr13:32,396,913, plus strand): 5'-GTGGGTTTGCAATTTATAAAGCAGCTTTTCCACTTATTTTCTTAGAATATTGACATACTT[T>C]GCAATGAAGCAGAAAACAAGCTTATGCATATACTGCATGCAAATGATCCCAAGTGGTCCA-3'
Protein context (NP_000050.3, residues 3163-3183): KNTVENIDIL[Cys3173Arg]NEAENKLMHI

ClinVar aggregate classification (germline): Uncertain significance (1 of 4 stars; one submission).

Conditions:
Hereditary cancer-predisposing syndrome. Also called: Tumor predisposition; Neoplastic Syndromes, Hereditary; Hereditary Cancer Syndrome; Hereditary neoplastic syndrome. Identifiers: Orphanet 140162, MedGen C0027672, MeSH D009386, MONDO:0015356.

Submission:

Ambry Genetics
Classification: Uncertain significance for Hereditary cancer-predisposing syndrome. Last evaluated: 2024-11-24. Review status: criteria provided, single submitter. Criteria: Ambry Variant Classification Scheme 2023. Collection method: clinical testing. Allele origin: germline.
Comment: The p.C3173R variant (also known as c.9517T>C), located in coding exon 25 of the BRCA2 gene, results from a T to C substitution at nucleotide position 9517. The cysteine at codon 3173 is replaced by arginine, an amino acid with highly dissimilar properties. This amino acid position is conserved. In addition, the in silico prediction for this alteration is inconclusive. Based on the available evidence, the clinical significance of this variant remains unclear.